The following is an entry in ClinVar:

ClinVar aggregate classification (germline): Uncertain significance (1 of 4 stars; one submission).

Conditions:
Glycogen storage disease, type II (IOPD). Also called: Pompe Disease; CARDIOMEGALIA GLYCOGENICA DIFFUSA; GLYCOGENOSIS, GENERALIZED, CARDIAC FORM; GSD II; POMPE DISEASE, INFANTILE-ONSET; GLYCOGEN STORAGE DISEASE II, INFANTILE-ONSET. Identifiers: Orphanet 365, MedGen C0017921, MONDO:0009290, OMIM 232300.

Submission:

Genomenon, Inc
Classification: Uncertain significance for Glycogen storage disease, type II. Last evaluated: 2026-07-01. Review status: criteria provided, single submitter. Criteria: Genomenon Sequence Variant Interpretation Standards - Updated. Collection method: curation. Allele origin: germline. Affected: yes.
Comment: GAA p.Trp279Cys (c.837G>C) is a missense variant that changes the amino acid at codon 279 from Tryptophan to Cysteine. This variant has been observed in at least one proband with a GAA-related disorder in the compound heterozygous and/or homozygous state (PMID:39010129). It is absent or not present at a significant frequency in gnomAD. In silico models predict that this variant is possibly or probably damaging. In conclusion, we classify GAA p.Trp279Cys (c.837G>C) as a variant of uncertain significance.

Literature cited by the submitters: PubMed 39010129.

NM_000152.5(GAA):c.837G>C (p.Trp279Cys)

Gene: GAA (alpha glucosidase; plus strand). Cytogenetic location: 17q25.3.
Variant type: single nucleotide variant.
Coding change: c.837G>C on transcript NM_000152.5 (MANE Select); coding-DNA position 837, G replaced by C.
Protein change: p.Trp279Cys; replaces tryptophan 279 with cysteine.
Molecular consequence: missense variant.
Genome position (GRCh38, 1-based): chr17:80,107,701, G>C. VCF-style: chr17-80107701-G-C. GRCh37 (hg19) VCF-style: chr17-78081500-G-C.
Other names: c.837G>C, p.Trp279Cys (NM_001079803.3, NM_001079804.3, NM_001406741.1 and 1 more transcripts); short protein forms W279C.
Identifiers: ClinVar variation 4876303 (VCV004876303.1).